The following is an entry in ClinVar:

NM_001197104.2(KMT2A):c.834C>G (p.Leu278=)

Gene: KMT2A (lysine methyltransferase 2A; plus strand). Cytogenetic location: 11q23.3.
Variant type: single nucleotide variant.
Coding change: c.834C>G on transcript NM_001197104.2 (MANE Select); coding-DNA position 834, C replaced by G.
Protein change: p.Leu278=; no amino-acid change (leucine 278 retained).
Molecular consequence: synonymous variant.
Genome position (GRCh38, 1-based): chr11:118,471,993, C>G. VCF-style: chr11-118471993-C-G. GRCh37 (hg19) VCF-style: chr11-118342708-C-G.
Other names: c.933C>G, p.Leu311= (NM_001412597.1); c.834C>G, p.Leu278= (NM_005933.4).
Identifiers: ClinVar variation 1924925 (VCV001924925.29), dbSNP rs782391165, ClinGen allele CA6303345.
Genomic context (GRCh38, chr11:118,471,993, plus strand): 5'-GACACCTTCTGCTACGTTTCAGCAAGCCACAAAGATTAAAAAATTAAGAGCAGGTAAACT[C>G]TCTCCTCTCAAGTCTAAGTTTAAGACAGGGAAGCTTCAAATAGGAAGGAAGGGGGTACAA-3'
Protein context (NP_001184033.1, residues 268-288): TKIKKLRAGK[Leu278=]SPLKSKFKTG

ClinVar aggregate classification (germline): Likely benign. Review status: criteria provided, multiple submitters, no conflicts (2 of 4 stars). 2 submissions from 2 submitters: Likely benign (2). Last evaluated 2025-10-07.

Allele frequency attached by ClinVar (database versions not stated): ExAC 0.00001; TOPMed 0.00001.
gnomAD v4.1: 7 of 1,614,046 alleles (0.00043%); highest among the groups gnomAD compares: Non-Finnish European, 0.00042%; no homozygotes.

Submissions (2):

Labcorp Genetics (formerly Invitae), Labcorp
Classification: Likely benign. Last evaluated: 2025-10-07. Review status: criteria provided, single submitter. Criteria: Invitae Variant Classification Sherloc (09022015). Collection method: clinical testing. Allele origin: germline.

CeGaT Center for Human Genetics Tuebingen
Classification: Likely benign. Last evaluated: 2023-02-01. Review status: criteria provided, single submitter. Criteria: CeGaT Center For Human Genetics Tuebingen Variant Classification Criteria Version 2. Collection method: clinical testing. Allele origin: germline. Affected: yes. Observed: 1 variant allele.
Comment: KMT2A: BP4, BP7